The following is an entry in ClinVar:

ClinVar aggregate classification (germline): Uncertain significance. Review status: criteria provided, multiple submitters, no conflicts (2 of 4 stars). 2 submissions from 2 submitters: Uncertain significance (2). Last evaluated 2020-06-08.

Conditions:
Intellectual developmental disorder, autosomal recessive 52. Also called: Intellectual disability, autosomal recessive 52. Identifiers: Orphanet 88616, MedGen C4225168, MONDO:0014815, OMIM 616887.

Allele frequency attached by ClinVar (database versions not stated): gnomAD 0.00001; gnomAD exomes below 0.00001 and 0.00002.
gnomAD v4.1: 12 of 1,613,318 alleles (0.00074%); highest among the groups gnomAD compares: Middle Eastern, 0.15%; no homozygotes.

Submissions (2):

Baylor Genetics
Classification: Uncertain significance for Intellectual developmental disorder, autosomal recessive 52. Last evaluated: 2020-06-08. Review status: criteria provided, single submitter. Criteria: ACMG Guidelines, 2015. Collection method: clinical testing. Allele origin: unknown. Affected: yes.
Comment: This variant was determined to be of uncertain significance according to ACMG Guidelines, 2015 [PMID:25741868].

Breakthrough Genomics
Classification: Uncertain significance. Review status: criteria provided, single submitter. Criteria: ACMG Guidelines, 2015. Collection method: not provided. Allele origin: germline. Inheritance: Autosomal recessive inheritance. Affected: yes.

NM_030805.4(LMAN2L):c.46C>A (p.Arg16=)

Gene: LMAN2L (lectin, mannose binding 2 like; minus strand). Cytogenetic location: 2q11.2.
Variant type: single nucleotide variant.
Coding change: c.46C>A on transcript NM_030805.4 (MANE Select); coding-DNA position 46, C replaced by A.
Protein change: p.Arg16=; no amino-acid change (arginine 16 retained).
Molecular consequence: synonymous variant. On other transcripts: 5 prime UTR variant (8).
Genome position (GRCh38, 1-based): chr2:96,739,995, G>T on the plus strand (C>A on the coding strand, the complement: LMAN2L is on the minus strand). VCF-style: chr2-96739995-G-T. GRCh37 (hg19) VCF-style: chr2-97405732-G-T.
Other names: c.46C>A, p.Arg16= (NM_001142292.2); c.-307C>A (NM_001322346.2, NM_001322356.2); c.-250C>A (NM_001322347.2, NM_001322350.2); c.-188C>A (NM_001322351.2); c.-450C>A (NM_001322352.2); c.-321C>A (NM_001322354.2); c.-388C>A (NM_001322355.2).
Identifiers: ClinVar variation 1030199 (VCV001030199.2), dbSNP rs1028008100, ClinGen allele CA52454110.
Genomic context (GRCh38, chr2:96,739,995, plus strand): 5'-CAGACCCCAACAAAAGAAGAAGGAGTAACATCCTGGACCCATCCCGAGCCGACAAACATC[G>T]CCGCCACTGCTGCCACGACCCAAGGGGTCCCAGAGTCGCCGCCATCTTTCCCACCAACGA-3'
Protein context (NP_110432.1, residues 6-26): GPLGSWQQWR[Arg16=]CLSARDGSRM